The following is an entry in ClinVar:

ClinVar aggregate classification (germline): Uncertain significance (1 of 4 stars; one submission).

Submission:

GeneDx
Classification: Uncertain significance. Last evaluated: 2024-11-11. Review status: criteria provided, single submitter. Criteria: GeneDx Variant Classification Process June 2021. Collection method: clinical testing. Allele origin: germline. Affected: yes.
Comment: Not observed at significant frequency in large population cohorts (gnomAD); In silico analysis supports that this missense variant has a deleterious effect on protein structure/function; Has not been previously published as pathogenic or benign to our knowledge

NM_004958.4(MTOR):c.7006C>G (p.Leu2336Val)

Gene: MTOR (mechanistic target of rapamycin kinase; minus strand). Cytogenetic location: 1p36.22.
Variant type: single nucleotide variant.
Coding change: c.7006C>G on transcript NM_004958.4 (MANE Select); coding-DNA position 7006, C replaced by G.
Protein change: p.Leu2336Val; replaces leucine 2336 with valine.
Molecular consequence: missense variant.
Genome position (GRCh38, 1-based): chr1:11,117,014, G>C on the plus strand (C>G on the coding strand, the complement: MTOR is on the minus strand). VCF-style: chr1-11117014-G-C. GRCh37 (hg19) VCF-style: chr1-11177071-G-C.
Other names: c.7006C>G, p.Leu2336Val (NM_001386500.1); c.5758C>G, p.Leu1920Val (NM_001386501.1); short protein forms L1920V, L2336V.
Identifiers: ClinVar variation 3898789 (VCV003898789.1).